The following is an entry in ClinVar:

ClinVar aggregate classification (germline): Uncertain significance (1 of 4 stars; one submission).

gnomAD v4.1: 13 of 1,380,168 alleles (0.00094%); highest among the groups gnomAD compares: African/African-American, 0.0015%; no homozygotes.

Submission:

Dasa
Classification: Uncertain significance. Last evaluated: 2025-09-02. Review status: criteria provided, single submitter. Criteria: DASA Assertion Criteria. Collection method: clinical testing. Allele origin: germline.
Comment: NM_001378452.1(ITPR1):c.6510+67G>T is an intronic variant. This variant is rare in population databases. The currently available literature and clinical evidence are not sufficient to establish a definitive association between this variant and the reported condition. Therefore, this variant is classified as a variant of uncertain significance.

NM_001378452.1(ITPR1):c.6510+67G>T

Gene: ITPR1 (inositol 1,4,5-trisphosphate receptor type 1; plus strand). Cytogenetic location: 3p26.1.
Variant type: single nucleotide variant.
Coding change: c.6510+67G>T on transcript NM_001378452.1 (MANE Select); 67 bases into the intron after coding-DNA position 6510, G replaced by T.
Molecular consequence: intron variant.
Genome position (GRCh38, 1-based): chr3:4,782,808, G>T. VCF-style: chr3-4782808-G-T. GRCh37 (hg19) VCF-style: chr3-4824492-G-T.
Other names: c.6366+67G>T (NM_001099952.4); c.6465+67G>T (NM_001168272.2); c.6321+67G>T (NM_002222.7).
Identifiers: ClinVar variation 4885450 (VCV004885450.2).